The following is an entry in ClinVar:

NM_001039591.3(USP9X):c.1790T>A (p.Phe597Tyr)

Gene: USP9X (ubiquitin specific peptidase 9 X-linked; plus strand). Cytogenetic location: Xp11.4.
Variant type: single nucleotide variant.
Coding change: c.1790T>A on transcript NM_001039591.3 (MANE Select); coding-DNA position 1790, T replaced by A.
Protein change: p.Phe597Tyr; replaces phenylalanine 597 with tyrosine.
Molecular consequence: missense variant.
Genome position (GRCh38, 1-based): chrX:41,152,974, T>A. VCF-style: chrX-41152974-T-A. GRCh37 (hg19) VCF-style: chrX-41012227-T-A.
Other names: c.1790T>A, p.Phe597Tyr (NM_001039590.3); c.1805T>A, p.Phe602Tyr (NM_001410748.1, NM_001410749.1); short protein forms F597Y, F602Y.
Identifiers: ClinVar variation 2412920 (VCV002412920.3), dbSNP rs2062543410, ClinGen allele CA412775994.

ClinVar aggregate classification (germline): Uncertain significance (1 of 4 stars; one submission).

Allele frequency attached by ClinVar (database versions not stated): gnomAD exomes below 0.00001.
gnomAD v4.1: 5 of 1,209,805 alleles (0.00041%); highest among the groups gnomAD compares: Non-Finnish European, 0.00056%; no homozygotes.

Submission:

GeneDx
Classification: Uncertain significance. Last evaluated: 2022-07-26. Review status: criteria provided, single submitter. Criteria: GeneDx Variant Classification Process June 2021. Collection method: clinical testing. Allele origin: germline. Affected: yes.
Comment: Not observed at significant frequency in large population cohorts (gnomAD); In silico analysis supports that this missense variant does not alter protein structure/function; Has not been previously published as pathogenic or benign to our knowledge